The following is an entry in ClinVar:

NM_006346.4(PIBF1):c.1292C>G (p.Ala431Gly)

Gene: PIBF1 (progesterone immunomodulatory binding factor 1; plus strand). Cytogenetic location: 13q22.1.
Variant type: single nucleotide variant.
Coding change: c.1292C>G on transcript NM_006346.4 (MANE Select); coding-DNA position 1292, C replaced by G.
Protein change: p.Ala431Gly; replaces alanine 431 with glycine.
Molecular consequence: missense variant. On other transcripts: non-coding transcript variant (2).
Genome position (GRCh38, 1-based): chr13:72,854,125, C>G. VCF-style: chr13-72854125-C-G. GRCh37 (hg19) VCF-style: chr13-73428263-C-G.
Other names: c.1379C>G, p.Ala460Gly (NM_001349655.2); short protein forms A431G, A460G.
Identifiers: ClinVar variation 2579371 (VCV002579371.1), dbSNP rs2038302184, ClinGen allele CA388276068.
Genomic context (GRCh38, chr13:72,854,125, plus strand): 5'-GAGAAGCAAGGGATAATGCTGTGGCTGAAAAGGAACGAGCAGTGATGGCTGAAAAGGATG[C>G]TTTAGAAAAACACGATCAGCTCTTAGACAGGTAAGCATCATAAAAATAGAAATGTTAAAA-3'
Protein context (NP_006337.2, residues 421-441): KERAVMAEKD[Ala431Gly]LEKHDQLLDR

ClinVar aggregate classification (germline): Uncertain significance (1 of 4 stars; one submission).

Allele frequency attached by ClinVar (database versions not stated): TOPMed 0.00001.
gnomAD v4.1: 1 of 1,612,138 alleles (0.000062%); highest among the groups gnomAD compares: Admixed American, 0.0017%; no homozygotes.

Submission:

GeneDx
Classification: Uncertain significance. Last evaluated: 2023-03-09. Review status: criteria provided, single submitter. Criteria: GeneDx Variant Classification Process June 2021. Collection method: clinical testing. Allele origin: germline. Affected: yes.
Comment: Not observed at significant frequency in large population cohorts (gnomAD); In silico analysis supports that this missense variant does not alter protein structure/function; Has not been previously published as pathogenic or benign to our knowledge